The following is an entry in ClinVar:

ClinVar aggregate classification (germline): Uncertain significance (1 of 4 stars; one submission).

Conditions:
Congenital disorder of glycosylation, type IIq. Also called: CDG IIq. Identifiers: Orphanet 435934, MedGen C4479353, MONDO:0054559, OMIM 617395.

Allele frequency attached by ClinVar (database versions not stated): ExAC 0.00005; gnomAD exomes 0.00006 and 0.00012; ESP Exome Variant Server 0.00008; gnomAD 0.00010 and 0.00011; TOPMed 0.00011.
gnomAD v4.1: 206 of 1,614,026 alleles (0.013%); highest among the groups gnomAD compares: Non-Finnish European, 0.016%; no homozygotes.

Submission:

Labcorp Genetics (formerly Invitae), Labcorp
Classification: Uncertain significance for Congenital disorder of glycosylation, type IIq. Last evaluated: 2022-11-08. Review status: criteria provided, single submitter. Criteria: Invitae Variant Classification Sherloc (09022015). Collection method: clinical testing. Allele origin: germline.
Comment: In summary, the available evidence is currently insufficient to determine the role of this variant in disease. Therefore, it has been classified as a Variant of Uncertain Significance. Advanced modeling of protein sequence and biophysical properties (such as structural, functional, and spatial information, amino acid conservation, physicochemical variation, residue mobility, and thermodynamic stability) performed at Invitae indicates that this missense variant is expected to disrupt COG2 protein function. ClinVar contains an entry for this variant (Variation ID: 1040914). This variant has not been reported in the literature in individuals affected with COG2-related conditions. This variant is present in population databases (rs372577276, gnomAD 0.01%). This sequence change replaces arginine, which is basic and polar, with glutamine, which is neutral and polar, at codon 453 of the COG2 protein (p.Arg453Gln).

NM_007357.3(COG2):c.1358G>A (p.Arg453Gln)

Gene: COG2 (component of oligomeric golgi complex 2; plus strand). Cytogenetic location: 1q42.2.
Variant type: single nucleotide variant.
Coding change: c.1358G>A on transcript NM_007357.3 (MANE Select); coding-DNA position 1358, G replaced by A.
Protein change: p.Arg453Gln; replaces arginine 453 with glutamine.
Molecular consequence: missense variant.
Genome position (GRCh38, 1-based): chr1:230,685,214, G>A. VCF-style: chr1-230685214-G-A. GRCh37 (hg19) VCF-style: chr1-230820960-G-A.
Other names: c.1358G>A, p.Arg453Gln (NM_001145036.2); short protein forms R453Q.
Identifiers: ClinVar variation 1040914 (VCV001040914.3), dbSNP rs372577276, ClinGen allele CA1447748.